The following is an entry in ClinVar:

ClinVar aggregate classification (germline): Conflicting classifications of pathogenicity. Review status: criteria provided, conflicting classifications (1 of 4 stars). 5 submissions from 4 submitters: Uncertain significance (1); Benign (1); Likely benign (3). Last evaluated 2025-11-13.

Conditions:
Isolated microphthalmia 5. Also called: Posterior Microphthalmia with Retinitis Pigmentosa, Foveoschisis, and Optic Disc Drusen. Identifiers: Orphanet 251279, MedGen C1970236, MONDO:0012605, OMIM 611040.
Late-onset retinal degeneration (LORD). Also called: RETINAL DEGENERATION, LATE-ONSET, AUTOSOMAL DOMINANT. Identifiers: Orphanet 67042, MedGen C1854065, MONDO:0011579, OMIM 605670. Disease mechanism: loss of function.

Allele frequency attached by ClinVar (database versions not stated): gnomAD 0.00001 and 0.00022; TOPMed 0.00002; gnomAD exomes 0.00044 and 0.00114; 1000 Genomes Project 0.00060; 1000 Genomes Project 30x 0.00094; ExAC 0.00157.

Submissions (5):

Labcorp Genetics (formerly Invitae), Labcorp
Classification: Benign. Last evaluated: 2025-11-13. Review status: criteria provided, single submitter. Criteria: Invitae Variant Classification Sherloc (09022015). Collection method: clinical testing. Allele origin: germline.

Blueprint Genetics
Classification: Likely benign. Last evaluated: 2024-11-08. Review status: criteria provided, single submitter. Criteria: ACMG Guidelines, 2015. Collection method: clinical testing. Allele origin: germline.

Illumina Laboratory Services, Illumina
Classification: Likely benign for Late-onset retinal degeneration. Last evaluated: 2018-03-06. Review status: criteria provided, single submitter. Criteria: ICSL Variant Classification Criteria 13 December 2019. Collection method: clinical testing. Allele origin: germline.
Comment: This variant was observed in the ICSL laboratory as part of a predisposition screen in an ostensibly healthy population. It had not been previously curated by ICSL or reported in the Human Gene Mutation Database (HGMD: prior to June 1st, 2018), and was therefore a candidate for classification through an automated scoring system. Utilizing variant allele frequency, disease prevalence and penetrance estimates, and inheritance mode, an automated score was calculated to assess if this variant is too frequent to cause the disease. Based on the score and internal cut-off values, a variant classified as likely benign is not then subjected to further curation. The score for this variant resulted in a classification of likely benign for this disease.

Illumina Laboratory Services, Illumina
Classification: Uncertain significance for Isolated microphthalmia 5. Last evaluated: 2018-01-22. Review status: criteria provided, single submitter. Criteria: ICSL Variant Classification Criteria 13 December 2019. Collection method: clinical testing. Allele origin: germline.

Eurofins Ntd Llc (ga)
Classification: Likely benign. Last evaluated: 2015-03-16. Review status: criteria provided, single submitter. Criteria: EGL Classification Definitions 2015. Collection method: clinical testing. Allele origin: germline. Observed: 1 variant allele, 1 heterozygote.

NM_001278431.2(C1QTNF5):c.294C>T (p.Cys98=)

Genes: C1QTNF5 (C1q and TNF related 5; minus strand), MFRP (membrane frizzled-related protein; minus strand). Cytogenetic location: 11q23.3.
Variant type: single nucleotide variant.
Coding change: c.294C>T on transcript NM_001278431.2 (MANE Select); coding-DNA position 294, C replaced by T.
Protein change: p.Cys98=; no amino-acid change (cysteine 98 retained).
Molecular consequence: synonymous variant. On other transcripts: 3 prime UTR variant (1).
Genome position (GRCh38, 1-based): chr11:119,339,769, G>A on the plus strand (C>T on the coding strand, the complement: C1QTNF5 is on the minus strand). VCF-style: chr11-119339769-G-A. GRCh37 (hg19) VCF-style: chr11-119210479-G-A.
Other names: c.294C>T, p.Cys98= (NM_015645.5); c.*1190C>T (NM_031433.4).
Identifiers: ClinVar variation 194544 (VCV000194544.18), dbSNP rs540768941, ClinGen allele CA017301.
Genomic context (GRCh38, chr11:119,339,769, plus strand): 5'-CGGCGGAGGCACCCGGCTCTCGGAGCGCTTGGCGCTGAAGGCGGATCGCGGAGGCACCGA[G>A]CACTCCCCGGCAGGCCCGGTGGGCCCCGCGGGTCCCGCCTCTCCTCGCGGCCCGGGGTCC-3'
Protein context (NP_001265360.1, residues 88-108): PAGPTGPAGE[Cys98=]SVPPRSAFSA